The following is an entry in ClinVar:

ClinVar aggregate classification (germline): Uncertain significance (1 of 4 stars; one submission).

Conditions:
Cardiovascular phenotype. Identifiers: MedGen CN230736.

Submission:

Ambry Genetics
Classification: Uncertain significance for Cardiovascular phenotype. Last evaluated: 2026-07-22. Review status: criteria provided, single submitter. Criteria: Ambry Variant Classification Scheme 2023. Collection method: clinical testing. Allele origin: germline.
Comment: The p.E345* variant (also known as c.1033G>T), located in coding exon 13 of the RYR2 gene, results from a G to T substitution at nucleotide position 1033. This changes the amino acid from a glutamic acid to a stop codon within coding exon 13. This variant is expected to result in protein truncation or nonsense-mediated mRNA decay. However, loss of function has not been established as a mechanism of disease. Based on the available evidence, the clinical significance of this variant remains unclear.

NM_001035.3(RYR2):c.1033G>T (p.Glu345Ter)

Gene: RYR2 (ryanodine receptor 2; plus strand). Cytogenetic location: 1q43.
Variant type: single nucleotide variant.
Coding change: c.1033G>T on transcript NM_001035.3 (MANE Select); coding-DNA position 1033, G replaced by T.
Protein change: p.Glu345Ter; replaces glutamic acid 345 with a stop codon.
Molecular consequence: nonsense.
Genome position (GRCh38, 1-based): chr1:237,441,346, G>T. VCF-style: chr1-237441346-G-T. GRCh37 (hg19) VCF-style: chr1-237604646-G-T.
Other names: short protein forms E345*.
Identifiers: ClinVar variation 5028690 (VCV005028690.1).